The following is an entry in ClinVar:

NM_017563.5(IL17RD):c.1696C>T (p.Pro566Ser)

Genes: IL17RD (interleukin 17 receptor D; minus strand), LOC126806689 (BRD4-independent group 4 enhancer GRCh37_chr3:57131244-57132443; plus strand). Cytogenetic location: 3p14.3.
Variant type: single nucleotide variant.
Coding change: c.1696C>T on transcript NM_017563.5 (MANE Select); coding-DNA position 1696, C replaced by T.
Protein change: p.Pro566Ser; replaces proline 566 with serine.
Molecular consequence: missense variant.
Genome position (GRCh38, 1-based): chr3:57,098,007, G>A on the plus strand (C>T on the coding strand, the complement: IL17RD is on the minus strand). VCF-style: chr3-57098007-G-A. GRCh37 (hg19) VCF-style: chr3-57132035-G-A.
Other names: c.1264C>T, p.Pro422Ser (NM_001318864.2); short protein forms P422S, P566S.
Identifiers: ClinVar variation 1225547 (VCV001225547.35), dbSNP rs61742267, ClinGen allele CA2462669.
Genomic context (GRCh38, chr3:57,098,007, plus strand): 5'-AGCCCGAATCAAATTTCTCCAAGACTGGCTCCCGGTAGCGCAGTGGAGGAGGATGGAAGG[G>A]AACGAACTGCTTTTCGAACCAGTCGGGCTCCTCGTCAATAAACTGGTGCATGTTGCAAAT-3'
Protein context (NP_060033.3, residues 556-576): EPDWFEKQFV[Pro566Ser]FHPPPLRYRE

ClinVar aggregate classification (germline): Benign. Review status: criteria provided, multiple submitters, no conflicts (2 of 4 stars). 4 submissions from 4 submitters: Benign (4). Last evaluated 2026-09-01.

Allele frequency attached by ClinVar (database versions not stated): 1000 Genomes Project 0.00978; 1000 Genomes Project 30x 0.00984; gnomAD 0.01369 and 0.01420; TOPMed 0.01427; gnomAD exomes 0.01439; ExAC 0.01513; ESP Exome Variant Server 0.01615.
gnomAD v4.1: 29,439 of 1,613,984 alleles (1.8%); highest among the groups gnomAD compares: Non-Finnish European, 2.1%; 343 homozygotes.

Submissions (4):

CeGaT Center for Human Genetics Tuebingen
Classification: Benign. Last evaluated: 2026-09-01. Review status: criteria provided, single submitter. Criteria: CeGaT Center For Human Genetics Tuebingen Variant Classification Criteria Version 2. Collection method: clinical testing. Allele origin: germline. Affected: yes. Observed: 20 variant alleles.
Comment: IL17RD: PM5, BP4, BS1, BS2

Labcorp Genetics (formerly Invitae), Labcorp
Classification: Benign. Last evaluated: 2026-01-08. Review status: criteria provided, single submitter. Criteria: Invitae Variant Classification Sherloc (09022015). Collection method: clinical testing. Allele origin: germline.

GeneDx
Classification: Benign. Last evaluated: 2020-02-29. Review status: criteria provided, single submitter. Criteria: GeneDx Variant Classification Process June 2021. Collection method: clinical testing. Allele origin: germline. Affected: yes.

Breakthrough Genomics
Classification: Benign. Review status: criteria provided, single submitter. Criteria: ACMG Guidelines, 2015. Collection method: not provided. Allele origin: germline. Inheritance: Autosomal dominant inheritance. Affected: yes.